The following is an entry in ClinVar:

NM_014956.5(CEP164):c.20G>A (p.Arg7His)

Gene: CEP164 (centrosomal protein 164; plus strand). Cytogenetic location: 11q23.3.
Variant type: single nucleotide variant.
Coding change: c.20G>A on transcript NM_014956.5 (MANE Select); coding-DNA position 20, G replaced by A.
Protein change: p.Arg7His; replaces arginine 7 with histidine.
Molecular consequence: missense variant.
Genome position (GRCh38, 1-based): chr11:117,338,606, G>A. VCF-style: chr11-117338606-G-A. GRCh37 (hg19) VCF-style: chr11-117209322-G-A.
Other names: c.20G>A (NM_014956.4); c.20G>A, p.Arg7His (NM_001271933.2); short protein forms R7H.
Identifiers: ClinVar variation 1517576 (VCV001517576.8), dbSNP rs1413886061, ClinGen allele CA382718533.

ClinVar aggregate classification (germline): Uncertain significance. Review status: criteria provided, multiple submitters, no conflicts (2 of 4 stars). 3 submissions from 3 submitters: Uncertain significance (2). 1 of the submissions does not count toward it. Last evaluated 2025-03-31.

Conditions:
Inborn genetic diseases. Identifiers: MedGen C0950123, MeSH D030342.
Nephronophthisis 15 (NPHP15). Identifiers: Orphanet 3156, MedGen C3541853, MONDO:0013917, OMIM 614845.
CEP164-related disorder. Also called: CEP164-related condition.

Allele frequency attached by ClinVar (database versions not stated): gnomAD 0.00001; gnomAD exomes 0.00001.
gnomAD v4.1: 17 of 1,613,956 alleles (0.0011%); highest among the groups gnomAD compares: Middle Eastern, 0.016%; no homozygotes.

Submissions (3):

Ambry Genetics
Classification: Uncertain significance for Inborn genetic diseases. Last evaluated: 2025-03-31. Review status: criteria provided, single submitter. Criteria: Ambry Variant Classification Scheme 2023. Collection method: clinical testing. Allele origin: germline.

Labcorp Genetics (formerly Invitae), Labcorp
Classification: Uncertain significance for Nephronophthisis 15. Last evaluated: 2024-02-24. Review status: criteria provided, single submitter. Criteria: Invitae Variant Classification Sherloc (09022015). Collection method: clinical testing. Allele origin: germline.
Comment: This sequence change replaces arginine, which is basic and polar, with histidine, which is basic and polar, at codon 7 of the CEP164 protein (p.Arg7His). This variant is present in population databases (no rsID available, gnomAD 0.004%). This variant has not been reported in the literature in individuals affected with CEP164-related conditions. ClinVar contains an entry for this variant (Variation ID: 1517576). An algorithm developed to predict the effect of missense changes on protein structure and function (PolyPhen-2) suggests that this variant is likely to be tolerated. In summary, the available evidence is currently insufficient to determine the role of this variant in disease. Therefore, it has been classified as a Variant of Uncertain Significance.

PreventionGenetics, part of Exact Sciences
Classification: Uncertain significance for CEP164-related condition. Last evaluated: 2024-09-01. Review status: no assertion criteria provided. Collection method: clinical testing. Allele origin: germline. Not counted in ClinVar's aggregate classification.
Comment: The CEP164 c.20G>A variant is predicted to result in the amino acid substitution p.Arg7His. To our knowledge, this variant has not been reported in the literature. This variant is reported in 0.0046% of alleles in individuals of European (Finnish) descent in gnomAD. At this time, the clinical significance of this variant is uncertain due to the absence of conclusive functional and genetic evidence.